The following is an entry in ClinVar:

ClinVar aggregate classification (germline): Uncertain significance. Review status: criteria provided, multiple submitters, no conflicts (2 of 4 stars). 2 submissions from 2 submitters: Uncertain significance (2). Last evaluated 2024-11-11.

Allele frequency attached by ClinVar (database versions not stated): TOPMed 0.00001; gnomAD exomes 0.00003; ExAC 0.00007.
gnomAD v4.1: 8 of 1,581,640 alleles (0.00051%); highest among the groups gnomAD compares: Admixed American, 0.0092%; no homozygotes.

Submissions (2):

Labcorp Genetics (formerly Invitae), Labcorp
Classification: Uncertain significance. Last evaluated: 2024-11-11. Review status: criteria provided, single submitter. Criteria: Invitae Variant Classification Sherloc (09022015). Collection method: clinical testing. Allele origin: germline.
Comment: This sequence change replaces serine, which is neutral and polar, with asparagine, which is neutral and polar, at codon 390 of the CNGB1 protein (p.Ser390Asn). This variant is present in population databases (rs748557193, gnomAD 0.02%). This variant has not been reported in the literature in individuals affected with CNGB1-related conditions. ClinVar contains an entry for this variant (Variation ID: 1385507). Invitae Evidence Modeling of protein sequence and biophysical properties (such as structural, functional, and spatial information, amino acid conservation, physicochemical variation, residue mobility, and thermodynamic stability) indicates that this missense variant is not expected to disrupt CNGB1 protein function with a negative predictive value of 95%. In summary, the available evidence is currently insufficient to determine the role of this variant in disease. Therefore, it has been classified as a Variant of Uncertain Significance.

Blueprint Genetics
Classification: Uncertain significance. Last evaluated: 2022-06-28. Review status: criteria provided, single submitter. Criteria: ACMG Guidelines, 2015. Collection method: clinical testing. Allele origin: germline.

NM_001297.5(CNGB1):c.1169G>A (p.Ser390Asn)

Gene: CNGB1 (cyclic nucleotide gated channel subunit beta 1; minus strand). Cytogenetic location: 16q21.
Variant type: single nucleotide variant.
Coding change: c.1169G>A on transcript NM_001297.5 (MANE Select); coding-DNA position 1169, G replaced by A.
Protein change: p.Ser390Asn; replaces serine 390 with asparagine.
Molecular consequence: missense variant.
Genome position (GRCh38, 1-based): chr16:57,940,274, C>T on the plus strand (G>A on the coding strand, the complement: CNGB1 is on the minus strand). VCF-style: chr16-57940274-C-T. GRCh37 (hg19) VCF-style: chr16-57974178-C-T.
Other names: c.1151G>A, p.Ser384Asn (NM_001286130.2); short protein forms S390N, S384N.
Identifiers: ClinVar variation 1385507 (VCV001385507.9), dbSNP rs748557193, ClinGen allele CA8083521.